The following is an entry in ClinVar:

ClinVar aggregate classification (germline): Uncertain significance. Review status: criteria provided, multiple submitters, no conflicts (2 of 4 stars). 2 submissions from 2 submitters: Uncertain significance (2). Last evaluated 2025-03-22.

Allele frequency attached by ClinVar (database versions not stated): gnomAD exomes 0.00002; gnomAD 0.00013; TOPMed 0.00017; ESP Exome Variant Server 0.00015; ExAC 0.00004.
gnomAD v4.1: 44 of 1,614,056 alleles (0.0027%); highest among the groups gnomAD compares: African/African-American, 0.044%; no homozygotes.

Submissions (2):

Ambry Genetics
Classification: Uncertain significance. Last evaluated: 2025-03-22. Review status: criteria provided, single submitter. Criteria: Ambry Variant Classification Scheme 2023. Collection method: clinical testing. Allele origin: germline.

Labcorp Genetics (formerly Invitae), Labcorp
Classification: Uncertain significance. Last evaluated: 2025-01-06. Review status: criteria provided, single submitter. Criteria: Invitae Variant Classification Sherloc (09022015). Collection method: clinical testing. Allele origin: germline.
Comment: This sequence change replaces arginine, which is basic and polar, with histidine, which is basic and polar, at codon 946 of the IARS protein (p.Arg946His). This variant is present in population databases (rs375942375, gnomAD 0.05%). This variant has not been reported in the literature in individuals affected with IARS-related conditions. ClinVar contains an entry for this variant (Variation ID: 2072635). An algorithm developed to predict the effect of missense changes on protein structure and function (PolyPhen-2) suggests that this variant is likely to be tolerated. In summary, the available evidence is currently insufficient to determine the role of this variant in disease. Therefore, it has been classified as a Variant of Uncertain Significance.

NM_002161.6(IARS1):c.2837G>A (p.Arg946His)

Gene: IARS1 (isoleucyl-tRNA synthetase 1; minus strand). Cytogenetic location: 9q22.31.
Variant type: single nucleotide variant.
Coding change: c.2837G>A on transcript NM_002161.6 (MANE Select); coding-DNA position 2837, G replaced by A.
Protein change: p.Arg946His; replaces arginine 946 with histidine.
Molecular consequence: missense variant. On other transcripts: non-coding transcript variant (1).
Genome position (GRCh38, 1-based): chr9:92,245,026, C>T on the plus strand (G>A on the coding strand, the complement: IARS1 is on the minus strand). VCF-style: chr9-92245026-C-T. GRCh37 (hg19) VCF-style: chr9-95007308-C-T.
Other names: c.2837G>A, p.Arg946His (NM_001378574.1, NM_001378575.1, NM_001378576.1 and 9 more transcripts); c.2741G>A, p.Arg914His (NM_001378582.1); c.2714G>A, p.Arg905His (NM_001378583.1); c.2762G>A, p.Arg921His (NM_001374299.1, NM_001374300.1, NM_001378584.1); c.2753G>A, p.Arg918His (NM_001374301.1); c.2900G>A, p.Arg967His (NM_001378569.1); c.2858G>A, p.Arg953His (NM_001378571.1); c.2837G>A (NM_013417.2); short protein forms R918H, R953H, R914H, R946H, R967H, R905H, R921H.
Identifiers: ClinVar variation 2072635 (VCV002072635.5), dbSNP rs375942375, ClinGen allele CA5122081.
Genomic context (GRCh38, chr9:92,245,026, plus strand): 5'-TCTGAGTGTGCTTCAAATTGCGCAGTCCCACCTGTGGCCTGATCAAAGGTGTACATGAGG[C>T]GGATGTCTTCATCGTGCAATTCATGGCCTTCCACAACAATGGTCCCTATGGAGAAGCAGC-3'
Protein context (NP_002152.2, residues 936-956): EGHELHDEDI[Arg946His]LMYTFDQATG